The following is an entry in ClinVar:

ClinVar aggregate classification (germline): Pathogenic (1 of 4 stars; one submission).

Conditions:
Parenti-mignot neurodevelopmental syndrome. Identifiers: MedGen C5676984, MONDO:0859249, OMIM 619873.

Submission:

Variantyx, Inc.
Classification: Pathogenic for Parenti-mignot neurodevelopmental syndrome. Last evaluated: 2025-09-23. Review status: criteria provided, single submitter. Criteria: Variantyx Assertion Criteria 2022. Collection method: clinical testing. Allele origin: germline. Inheritance: Autosomal dominant inheritance.
Comment: This is a nonsense variant in the CHD5 gene (OMIM: 610771). Pathogenic variants in this gene have been associated with autosomal dominant Parenti-Mignot neurodevelopmental syndrome. This variant introduces a premature termination codon in exon 4 out of 42. It is expected to result in loss of function, which is a known disease mechanism for CHD5 in this disorder (PMID: 33944996) (PVS1). This variant is absent from control populations (PM2). This variant has not been reported in individuals with CHD5-related disorders in the databases available for review. Based on the current evidence, this variant is classified as pathogenic for autosomal dominant Parenti-Mignot neurodevelopmental syndrome.

Literature cited by the submitters: PubMed 33944996.

NM_015557.3(CHD5):c.457G>T (p.Glu153Ter)

Gene: CHD5 (chromodomain helicase DNA binding protein 5; minus strand). Cytogenetic location: 1p36.31.
Variant type: single nucleotide variant.
Coding change: c.457G>T on transcript NM_015557.3 (MANE Select); coding-DNA position 457, G replaced by T.
Protein change: p.Glu153Ter; replaces glutamic acid 153 with a stop codon.
Molecular consequence: nonsense.
Genome position (GRCh38, 1-based): chr1:6,155,648, C>A on the plus strand (G>T on the coding strand, the complement: CHD5 is on the minus strand). VCF-style: chr1-6155648-C-A. GRCh37 (hg19) VCF-style: chr1-6215708-C-A.
Other names: short protein forms E153*.
Identifiers: ClinVar variation 4813050 (VCV004813050.1).